The following is an entry in ClinVar:

ClinVar aggregate classification (germline): Uncertain significance (1 of 4 stars; one submission).

Conditions:
Dyskeratosis congenita, autosomal dominant 1 (DKCA1). Also called: Dyskeratosis congenita Scoggins type. Identifiers: Orphanet 1775, MedGen C4551974, MONDO:0007485, OMIM 127550. Inheritance: Variable.

Allele frequency attached by ClinVar (database versions not stated): TOPMed below 0.00001.

Submission:

Labcorp Genetics (formerly Invitae), Labcorp
Classification: Uncertain significance for Dyskeratosis congenita, autosomal dominant 1. Last evaluated: 2023-07-24. Review status: criteria provided, single submitter. Criteria: Invitae Variant Classification Sherloc (09022015). Collection method: clinical testing. Allele origin: germline.
Comment: In summary, the available evidence is currently insufficient to determine the role of this variant in disease. Therefore, it has been classified as a Variant of Uncertain Significance. This variant is located at the 5’ end of the TERC RNA component (PMID: 15082312, 21844345). The functional significance of this region is not well understood. ClinVar contains an entry for this variant (Variation ID: 1923915). This variant has not been reported in the literature in individuals affected with TERC-related conditions. This variant is not present in population databases (gnomAD no frequency). This variant occurs in the TERC gene, which encodes an RNA molecule that does not result in a protein product.

Literature cited by the submitters: PubMed 15082312; PubMed 21844345.

NC_000003.12:g.169765035C>G

Genes: TERC (telomerase RNA component; minus strand), LOC110806306 (telomerase RNA component (TERC) promoter; plus strand). Cytogenetic location: 3q26.2.
Variant type: single nucleotide variant.
Genome position: GRCh38 VCF-style: chr3-169765035-C-G. GRCh37 (hg19) VCF-style: chr3-169482823-C-G.
Identifiers: ClinVar variation 1923915 (VCV001923915.5), dbSNP rs1777965400, ClinGen allele CA436716014.